The following is an entry in ClinVar:

ClinVar aggregate classification (germline): Pathogenic (1 of 4 stars; one submission).

Conditions:
Duchenne muscular dystrophy (DMD). Also called: Duchenne Muscular Dystrophy (DMD); MUSCULAR DYSTROPHY, PSEUDOHYPERTROPHIC PROGRESSIVE, DUCHENNE TYPE. Identifiers: Orphanet 98896, MedGen C0013264, MONDO:0010679, OMIM 310200.

Submission:

Labcorp Genetics (formerly Invitae), Labcorp
Classification: Pathogenic for Duchenne muscular dystrophy. Last evaluated: 2018-05-20. Review status: criteria provided, single submitter. Criteria: Invitae Variant Classification Sherloc (09022015). Collection method: clinical testing. Allele origin: germline.
Comment: This sequence change creates a premature translational stop signal (p.Gln2558*) in the DMD gene. It is expected to result in an absent or disrupted protein product. This variant is not present in population databases (ExAC no frequency). This variant has been reported in an individual affected with Duchenne muscular dystrophy (PMID: 11524473). ClinVar contains an entry for this variant (Variation ID: 94773). Loss-of-function variants in DMD are known to be pathogenic (PMID: 16770791, 25007885). For these reasons, this variant has been classified as Pathogenic.

Literature cited by the submitters: PubMed 11524473; PubMed 16770791; PubMed 25007885.

NM_004006.3(DMD):c.7672C>T (p.Gln2558Ter)

Gene: DMD (dystrophin; minus strand). Cytogenetic location: Xp21.1.
Variant type: single nucleotide variant.
Coding change: c.7672C>T on transcript NM_004006.3 (MANE Select); coding-DNA position 7672, C replaced by T.
Protein change: p.Gln2558Ter; replaces glutamine 2558 with a stop codon.
Molecular consequence: nonsense.
Genome position (GRCh38, 1-based): chrX:31,679,575, G>A on the plus strand (C>T on the coding strand, the complement: DMD is on the minus strand). VCF-style: chrX-31679575-G-A. GRCh37 (hg19) VCF-style: chrX-31697692-G-A.
Other names: NP_003997.1:p.Gln2558*; c.7648C>T, p.Gln2550Ter (NM_000109.4); c.7660C>T, p.Gln2554Ter (NM_004009.3); c.7303C>T, p.Gln2435Ter (NM_004010.3); c.3649C>T, p.Gln1217Ter (NM_004011.4); c.3640C>T, p.Gln1214Ter (NM_004012.4); c.292C>T, p.Gln98Ter (NM_004013.3, NM_004020.4, NM_004021.3 and 2 more transcripts); short protein forms Q2558*, Q1214*, Q1217*, Q2554*, Q2435*, Q2550*, Q98*.
Identifiers: ClinVar variation 94773 (VCV000094773.10), dbSNP rs398124051, ClinGen allele CA222496.